The following is an entry in ClinVar:

ClinVar aggregate classification (germline): Uncertain significance. Review status: criteria provided, multiple submitters, no conflicts (2 of 4 stars). 2 submissions from 2 submitters: Uncertain significance (2). Last evaluated 2025-03-10.

gnomAD v4.1: 42 of 1,607,594 alleles (0.0026%); highest among the groups gnomAD compares: Middle Eastern, 0.033%; no homozygotes.

Submissions (2):

Labcorp Genetics (formerly Invitae), Labcorp
Classification: Uncertain significance. Last evaluated: 2025-03-10. Review status: criteria provided, single submitter. Criteria: Invitae Variant Classification Sherloc (09022015). Collection method: clinical testing. Allele origin: germline.
Comment: This sequence change replaces aspartic acid, which is acidic and polar, with glutamic acid, which is acidic and polar, at codon 324 of the ATP2B2 protein (p.Asp324Glu). This variant is present in population databases (rs752033239, gnomAD 0.003%). This variant has not been reported in the literature in individuals affected with ATP2B2-related conditions. ClinVar contains an entry for this variant (Variation ID: 2335848). Invitae Evidence Modeling of protein sequence and biophysical properties (such as structural, functional, and spatial information, amino acid conservation, physicochemical variation, residue mobility, and thermodynamic stability) indicates that this missense variant is not expected to disrupt ATP2B2 protein function with a negative predictive value of 80%. In summary, the available evidence is currently insufficient to determine the role of this variant in disease. Therefore, it has been classified as a Variant of Uncertain Significance.

Ambry Genetics
Classification: Uncertain significance. Last evaluated: 2022-12-15. Review status: criteria provided, single submitter. Criteria: Ambry Variant Classification Scheme 2023. Collection method: clinical testing. Allele origin: germline.

NM_001001331.4(ATP2B2):c.1107C>A (p.Asp369Glu)

Gene: ATP2B2 (ATPase plasma membrane Ca2+ transporting 2; minus strand). Cytogenetic location: 3p25.3.
Variant type: single nucleotide variant.
Coding change: c.1107C>A on transcript NM_001001331.4 (MANE Select); coding-DNA position 1107, C replaced by A.
Protein change: p.Asp369Glu; replaces aspartic acid 369 with glutamic acid.
Molecular consequence: missense variant.
Genome position (GRCh38, 1-based): chr3:10,378,346, G>T on the plus strand (C>A on the coding strand, the complement: ATP2B2 is on the minus strand). VCF-style: chr3-10378346-G-T. GRCh37 (hg19) VCF-style: chr3-10420030-G-T.
Other names: c.972C>A, p.Asp324Glu (NM_001330611.3, NM_001353564.1, NM_001363862.1 and 1 more transcripts); short protein forms D324E, D369E.
Identifiers: ClinVar variation 2335848 (VCV002335848.3), dbSNP rs752033239, ClinGen allele CA2253751.